The following is an entry in ClinVar:

ClinVar aggregate classification (germline): Likely benign (1 of 4 stars; one submission).

Submission:

CeGaT Center for Human Genetics Tuebingen
Classification: Likely benign. Last evaluated: 2024-07-01. Review status: criteria provided, single submitter. Criteria: CeGaT Center For Human Genetics Tuebingen Variant Classification Criteria Version 2. Collection method: clinical testing. Allele origin: germline. Affected: yes. Observed: 1 variant allele.
Comment: KATNIP: PM2:Supporting, BP4, BP7

NM_015202.5(KATNIP):c.1852C>T (p.Leu618=)

Gene: KATNIP (katanin interacting protein; plus strand). Cytogenetic location: 16p12.1.
Variant type: single nucleotide variant.
Coding change: c.1852C>T on transcript NM_015202.5 (MANE Select); coding-DNA position 1852, C replaced by T.
Protein change: p.Leu618=; no amino-acid change (leucine 618 retained).
Molecular consequence: synonymous variant.
Genome position (GRCh38, 1-based): chr16:27,740,149, C>T. VCF-style: chr16-27740149-C-T. GRCh37 (hg19) VCF-style: chr16-27751470-C-T.
Identifiers: ClinVar variation 3257423 (VCV003257423.17).